The following is an entry in ClinVar:

ClinVar aggregate classification (germline): Uncertain significance (1 of 4 stars; one submission).

Allele frequency attached by ClinVar (database versions not stated): gnomAD 0.00001; gnomAD exomes 0.00001; TOPMed 0.00002; ExAC 0.00003; ESP Exome Variant Server 0.00008.
gnomAD v4.1: 22 of 1,613,994 alleles (0.0014%); highest among the groups gnomAD compares: Admixed American, 0.0083%; no homozygotes.

Submission:

Labcorp Genetics (formerly Invitae), Labcorp
Classification: Uncertain significance. Last evaluated: 2024-10-24. Review status: criteria provided, single submitter. Criteria: Invitae Variant Classification Sherloc (09022015). Collection method: clinical testing. Allele origin: germline.
Comment: This sequence change replaces glutamic acid, which is acidic and polar, with lysine, which is basic and polar, at codon 1817 of the SPEG protein (p.Glu1817Lys). This variant is present in population databases (rs369290013, gnomAD 0.02%). This variant has not been reported in the literature in individuals affected with SPEG-related conditions. ClinVar contains an entry for this variant (Variation ID: 2048357). An algorithm developed to predict the effect of missense changes on protein structure and function (PolyPhen-2) suggests that this variant is likely to be disruptive. In summary, the available evidence is currently insufficient to determine the role of this variant in disease. Therefore, it has been classified as a Variant of Uncertain Significance.

NM_005876.5(SPEG):c.5449G>A (p.Glu1817Lys)

Gene: SPEG (striated muscle enriched protein kinase; plus strand). Cytogenetic location: 2q35.
Variant type: single nucleotide variant.
Coding change: c.5449G>A on transcript NM_005876.5 (MANE Select); coding-DNA position 5449, G replaced by A.
Protein change: p.Glu1817Lys; replaces glutamic acid 1817 with lysine.
Molecular consequence: missense variant.
Genome position (GRCh38, 1-based): chr2:219,481,383, G>A. VCF-style: chr2-219481383-G-A. GRCh37 (hg19) VCF-style: chr2-220346105-G-A.
Other names: short protein forms E1817K.
Identifiers: ClinVar variation 2048357 (VCV002048357.2), dbSNP rs369290013, ClinGen allele CA2126840.